The following is an entry in ClinVar:

NM_001374736.1(DST):c.14523C>T (p.Phe4841=)

Gene: DST (dystonin; minus strand). Cytogenetic location: 6p12.1.
Variant type: single nucleotide variant.
Coding change: c.14523C>T on transcript NM_001374736.1 (MANE Select); coding-DNA position 14523, C replaced by T.
Protein change: p.Phe4841=; no amino-acid change (phenylalanine 4841 retained).
Molecular consequence: synonymous variant.
Genome position (GRCh38, 1-based): chr6:56,557,436, G>A on the plus strand (C>T on the coding strand, the complement: DST is on the minus strand). VCF-style: chr6-56557436-G-A. GRCh37 (hg19) VCF-style: chr6-56422234-G-A.
Other names: c.8166C>T, p.Phe2722= (NM_001144769.5); c.7752C>T, p.Phe2584= (NM_001144770.2); c.14523C>T, p.Phe4841= (NM_001374722.1); c.13890C>T, p.Phe4630= (NM_001374729.1); c.7632C>T, p.Phe2544= (NM_001374730.1, NM_001386100.1, NM_183380.4); c.14550C>T, p.Phe4850= (NM_001374734.1); c.6654C>T, p.Phe2218= (NM_015548.5).
Identifiers: ClinVar variation 2014481 (VCV002014481.4), dbSNP rs1446296726, ClinGen allele CA450487667.

ClinVar aggregate classification (germline): Uncertain significance (1 of 4 stars; one submission).

Conditions:
Epidermolysis bullosa simplex 3, localized or generalized intermediate, with BP230 deficiency (EBS3). Also called: Epidermolysis bullosa simplex, autosomal recessive 2; Epidermolysis bullosa simplex due to BP230 deficiency. Identifiers: Orphanet 412181, MedGen C3809470, MONDO:0014180, OMIM 615425.
Hereditary sensory and autonomic neuropathy type 6. Also called: HSAN VI; Neuropathy, hereditary sensory and autonomic, type VI. Identifiers: Orphanet 314381, MedGen C3539003, MONDO:0013839, OMIM 614653.

Allele frequency attached by ClinVar (database versions not stated): gnomAD exomes below 0.00001; TOPMed below 0.00001; gnomAD 0.00001.
gnomAD v4.1: 3 of 1,613,540 alleles (0.00019%); highest among the groups gnomAD compares: Non-Finnish European, 0.00025%; no homozygotes.

Submission:

Labcorp Genetics (formerly Invitae), Labcorp
Classification: Uncertain significance for Epidermolysis bullosa simplex 3, localized or generalized intermediate, with BP230 deficiency; Hereditary sensory and autonomic neuropathy type 6. Last evaluated: 2022-07-06. Review status: criteria provided, single submitter. Criteria: Invitae Variant Classification Sherloc (09022015). Collection method: clinical testing. Allele origin: germline.
Comment: In summary, the available evidence is currently insufficient to determine the role of this variant in disease. Therefore, it has been classified as a Variant of Uncertain Significance. Experimental studies and prediction algorithms are not available or were not evaluated, and the effect of this variant on mRNA splicing is currently unknown. This variant has not been reported in the literature in individuals affected with DST-related conditions. This variant is present in population databases (no rsID available, gnomAD 0.002%). This sequence change affects codon 2218 of the DST mRNA. It is a 'silent' change, meaning that it does not change the encoded amino acid sequence of the DST protein. The DST gene has multiple clinically relevant transcripts. This variant occurs in alternate transcript NM_015548.4, and corresponds to NM_001723.5:c.*58081C>T in the primary transcript.